The following is an entry in ClinVar:

NM_153033.5(KCTD7):c.308A>G (p.His103Arg)

Gene: KCTD7 (potassium channel tetramerization domain containing 7; plus strand). Cytogenetic location: 7q11.21.
Variant type: single nucleotide variant.
Coding change: c.308A>G on transcript NM_153033.5 (MANE Select); coding-DNA position 308, A replaced by G.
Protein change: p.His103Arg; replaces histidine 103 with arginine.
Molecular consequence: missense variant.
Genome position (GRCh38, 1-based): chr7:66,633,438, A>G. VCF-style: chr7-66633438-A-G. GRCh37 (hg19) VCF-style: chr7-66098425-A-G.
Other names: c.308A>G, p.His103Arg (NM_001167961.2); short protein forms H103R.
Identifiers: ClinVar variation 1503240 (VCV001503240.8), dbSNP rs2116764091, ClinGen allele CA367695769.

ClinVar aggregate classification (germline): Uncertain significance (1 of 4 stars; one submission).

Conditions:
Progressive myoclonic epilepsy type 3. Also called: EPILEPSY, PROGRESSIVE MYOCLONIC, 3, WITHOUT INTRACELLULAR INCLUSIONS; KCTD7-Related Progressive Myoclonic Epilepsy; EPILEPSY, PROGRESSIVE MYOCLONIC, 3, WITH OR WITHOUT INTRACELLULAR INCLUSIONS; CEROID LIPOFUSCINOSIS, NEURONAL, 14. Identifiers: Orphanet 263516, MedGen C2673257, MONDO:0012721, OMIM 611726.

Submission:

Labcorp Genetics (formerly Invitae), Labcorp
Classification: Uncertain significance for Progressive myoclonic epilepsy type 3. Last evaluated: 2021-01-18. Review status: criteria provided, single submitter. Criteria: Invitae Variant Classification Sherloc (09022015). Collection method: clinical testing. Allele origin: germline.
Comment: This variant has not been reported in the literature in individuals with KCTD7-related conditions. In summary, the available evidence is currently insufficient to determine the role of this variant in disease. Therefore, it has been classified as a Variant of Uncertain Significance. Algorithms developed to predict the effect of missense changes on protein structure and function are either unavailable or do not agree on the potential impact of this missense change (SIFT: "Deleterious"; PolyPhen-2: "Benign"; Align-GVGD: "Class C0"). This variant is not present in population databases (ExAC no frequency). This sequence change replaces histidine with arginine at codon 103 of the KCTD7 protein (p.His103Arg). The histidine residue is moderately conserved and there is a small physicochemical difference between histidine and arginine.